The following is an entry in ClinVar:

NM_002661.5(PLCG2):c.2898C>T (p.Ile966=)

Gene: PLCG2 (phospholipase C gamma 2; plus strand). Cytogenetic location: 16q23.3.
Variant type: single nucleotide variant.
Coding change: c.2898C>T on transcript NM_002661.5 (MANE Select); coding-DNA position 2898, C replaced by T.
Protein change: p.Ile966=; no amino-acid change (isoleucine 966 retained).
Molecular consequence: synonymous variant.
Genome position (GRCh38, 1-based): chr16:81,936,224, C>T. VCF-style: chr16-81936224-C-T. GRCh37 (hg19) VCF-style: chr16-81969829-C-T.
Other names: c.2898C>T (NM_002661.4).
Identifiers: ClinVar variation 1138671 (VCV001138671.21), dbSNP rs61749046, ClinGen allele CA8194471.

ClinVar aggregate classification (germline): Likely benign. Review status: criteria provided, multiple submitters, no conflicts (2 of 4 stars). 6 submissions from 6 submitters: Likely benign (4). 2 of the submissions do not count toward it. Last evaluated 2026-01-19.

Conditions:
Familial cold autoinflammatory syndrome 3 (FCAS3). Also called: ANTIBODY DEFICIENCY AND IMMUNE DYSREGULATION, PLCG2-ASSOCIATED; FAMILIAL ATYPICAL COLD URTICARIA. Identifiers: Orphanet 300359, MedGen C3280914, MONDO:0013766, OMIM 614468.
PLCG2-related disorder. Also called: PLCG2-related condition.

Allele frequency attached by ClinVar (database versions not stated): gnomAD exomes 0.00004 and 0.00007; ExAC 0.00006; TOPMed 0.00007; gnomAD 0.00010 and 0.00011; ESP Exome Variant Server 0.00016.
gnomAD v4.1: 118 of 1,614,080 alleles (0.0073%); highest among the groups gnomAD compares: Middle Eastern, 0.033%; no homozygotes.

Submissions (6):

Labcorp Genetics (formerly Invitae), Labcorp
Classification: Likely benign for Familial cold autoinflammatory syndrome 3. Last evaluated: 2026-01-19. Review status: criteria provided, single submitter. Criteria: Invitae Variant Classification Sherloc (09022015). Collection method: clinical testing. Allele origin: germline.

PreventionGenetics, part of Exact Sciences
Classification: Likely benign for PLCG2-related condition. Last evaluated: 2026-01-04. Review status: criteria provided, single submitter. Criteria: ACMG Guidelines, 2015. Collection method: clinical testing. Allele origin: germline.
Comment: This variant is classified as likely benign based on ACMG/AMP sequence variant interpretation guidelines (Richards et al. 2015 PMID: 25741868, with internal and published modifications).

CeGaT Center for Human Genetics Tuebingen
Classification: Likely benign. Last evaluated: 2025-08-01. Review status: criteria provided, single submitter. Criteria: CeGaT Center For Human Genetics Tuebingen Variant Classification Criteria Version 2. Collection method: clinical testing. Allele origin: germline. Affected: yes. Observed: 1 variant allele.
Comment: PLCG2: BP4, BP7

Blueprint Genetics
Classification: Likely benign. Last evaluated: 2024-11-15. Review status: criteria provided, single submitter. Criteria: ACMG Guidelines, 2015. Collection method: clinical testing. Allele origin: germline.

Clinical Genetics DNA and cytogenetics Diagnostics Lab, Erasmus MC, Erasmus Medical Center
Classification: Likely benign. Review status: no assertion criteria provided. Collection method: clinical testing. Allele origin: germline. Affected: yes. Study: VKGL Data-share Consensus. Not counted in ClinVar's aggregate classification.

Genome Diagnostics Laboratory, University Medical Center Utrecht
Classification: Likely benign. Review status: no assertion criteria provided. Collection method: clinical testing. Allele origin: germline. Affected: yes. Study: VKGL Data-share Consensus. Not counted in ClinVar's aggregate classification.